The following is an entry in ClinVar:

NM_004260.4(RECQL4):c.221_283del (p.Glu74_Pro94del)

Gene: RECQL4 (RecQ like helicase 4; minus strand). Cytogenetic location: 8q24.3.
Variant type: Deletion.
Coding change: c.221_283del on transcript NM_004260.4 (MANE Select); coding-DNA positions 221 to 283, 63 bases deleted.
Protein change: p.Glu74_Pro94del.
Molecular consequence: inframe deletion.
Genome position (GRCh38, 1-based): chr8:144,517,121-144,517,183, 63 bases deleted. GRCh37 (hg19): chr8:145,742,511-145,742,573.
Identifiers: ClinVar variation 1051896 (VCV001051896.3), dbSNP rs2130735614, ClinGen allele CA2499219199.

ClinVar aggregate classification (germline): Uncertain significance (1 of 4 stars; one submission).

Conditions:
Baller-Gerold syndrome (BGS). Also called: CRANIOSYNOSTOSIS WITH RADIAL DEFECTS. Identifiers: Orphanet 1225, MedGen C0265308, MONDO:0009039, OMIM 218600.

Submission:

Labcorp Genetics (formerly Invitae), Labcorp
Classification: Uncertain significance for Baller-Gerold syndrome. Last evaluated: 2020-08-10. Review status: criteria provided, single submitter. Criteria: Invitae Variant Classification Sherloc (09022015). Collection method: clinical testing. Allele origin: germline.
Comment: This variant has not been reported in the literature in individuals with RECQL4-related conditions. In summary, the available evidence is currently insufficient to determine the role of this variant in disease. Therefore, it has been classified as a Variant of Uncertain Significance. Experimental studies and prediction algorithms are not available or were not evaluated, and the functional significance of this variant is currently unknown. This variant is not present in population databases (ExAC no frequency). This variant, c.221_283del, results in the deletion of 21 amino acids of the RECQL4 protein (p.Glu74_Pro94del), but otherwise preserves the integrity of the reading frame.